The following is an entry in ClinVar:

ClinVar aggregate classification (germline): Likely benign (1 of 4 stars; one submission).

Allele frequency attached by ClinVar (database versions not stated): gnomAD 0.00012; 1000 Genomes Project 30x 0.00016; TOPMed 0.00016; ESP Exome Variant Server 0.00017; 1000 Genomes Project 0.00020; ExAC 0.00021.
gnomAD v4.1: 193 of 1,603,032 alleles (0.012%); highest among the groups gnomAD compares: Admixed American, 0.014%; no homozygotes.

Submission:

CeGaT Center for Human Genetics Tuebingen
Classification: Likely benign. Last evaluated: 2022-11-01. Review status: criteria provided, single submitter. Criteria: CeGaT Center For Human Genetics Tuebingen Variant Classification Criteria Version 2. Collection method: clinical testing. Allele origin: germline. Affected: yes. Observed: 1 variant allele.
Comment: BRSK2: BP4, BP7

NM_001256627.2(BRSK2):c.1068C>T (p.Asn356=)

Gene: BRSK2 (BR serine/threonine kinase 2; plus strand). Cytogenetic location: 11p15.5.
Variant type: single nucleotide variant.
Coding change: c.1068C>T on transcript NM_001256627.2 (MANE Select); coding-DNA position 1068, C replaced by T.
Protein change: p.Asn356=; no amino-acid change (asparagine 356 retained).
Molecular consequence: synonymous variant. On other transcripts: non-coding transcript variant (1).
Genome position (GRCh38, 1-based): chr11:1,445,661, C>T. VCF-style: chr11-1445661-C-T. GRCh37 (hg19) VCF-style: chr11-1466891-C-T.
Other names: c.1068C>T, p.Asn356= (NM_001256629.2, NM_003957.4); c.1206C>T, p.Asn402= (NM_001256630.1); c.888C>T, p.Asn296= (NM_001282218.2).
Identifiers: ClinVar variation 2641326 (VCV002641326.24), dbSNP rs199919405, ClinGen allele CA5810795.